The following is an entry in ClinVar:

ClinVar aggregate classification (germline): Pathogenic. Review status: criteria provided, multiple submitters, no conflicts (2 of 4 stars). 3 submissions from 3 submitters: Pathogenic (2). 1 of the submissions does not count toward it. Last evaluated 2025-03-17.

Conditions:
Cystine urolithiasis. Identifiers: MedGen C3671878.
Cystinuria (CSNU). Also called: CYSTINURIA, TYPE I; CYSTINURIA, TYPE II; CYSTINURIA, TYPE III; Cystinuria, non-type I. Identifiers: Orphanet 214, MedGen C0010691, MONDO:0009067, OMIM 220100, HP:0003131.

Allele frequency attached by ClinVar (database versions not stated): ExAC 0.00001; gnomAD 0.00001; gnomAD exomes 0.00001; TOPMed 0.00001.

Submissions (3):

Women's Health and Genetics/Laboratory Corporation of America, LabCorp
Classification: Pathogenic for Cystinuria. Last evaluated: 2025-03-17. Review status: criteria provided, single submitter. Criteria: LabCorp Variant Classification Summary - May 2015. Collection method: clinical testing. Allele origin: germline.
Comment: Variant summary: SLC7A9 c.1399+2dupT alters a conserved nucleotide located close to a canonical splice site and therefore could affect mRNA splicing, leading to a significantly altered protein sequence. Several computational tools predict a significant impact on normal splicing: Four predict the variant abolishes a 5' splicing donor site. However, these predictions have yet to be confirmed by functional studies. The variant allele was found at a frequency of 3.1e-06 in 1613922 control chromosomes. c.1399+2dupT has been reported in the literature in compound heterozygous and heterozygous individuals affected with Cystinuria (Yuen_2006, Li_2020, Invitae). These data indicate that the variant is very likely to be associated with disease. To our knowledge, no experimental evidence demonstrating an impact on protein function has been reported. The following publications have been ascertained in the context of this evaluation (PMID: 32133030, 16374432). ClinVar contains an entry for this variant (Variation ID: 804193). Based on the evidence outlined above, the variant was classified as pathogenic.

Labcorp Genetics (formerly Invitae), Labcorp
Classification: Pathogenic. Last evaluated: 2022-11-23. Review status: criteria provided, single submitter. Criteria: Invitae Variant Classification Sherloc (09022015). Collection method: clinical testing. Allele origin: germline.
Comment: For these reasons, this variant has been classified as Pathogenic. Variants that disrupt the consensus splice site are a relatively common cause of aberrant splicing (PMID: 17576681, 9536098). Algorithms developed to predict the effect of sequence changes on RNA splicing suggest that this variant may disrupt the consensus splice site. ClinVar contains an entry for this variant (Variation ID: 804193). This variant has been observed in individuals with autosomal recessive or dominant cystinuria (PMID: 16374432, 32133030; Invitae). It has also been observed to segregate with disease in related individuals. This variant is present in population databases (rs755715459, gnomAD 0.01%). This sequence change falls in intron 12 of the SLC7A9 gene. It does not directly change the encoded amino acid sequence of the SLC7A9 protein. It affects a nucleotide within the consensus splice site.

The Laboratory of Genetics and Metabolism, Hunan Children’s Hospital
Classification: Pathogenic for Cystine Urolithiasis. Review status: no assertion criteria provided. Collection method: research. Allele origin: maternal. Affected: yes. Not counted in ClinVar's aggregate classification.

Literature cited by the submitters: PubMed 32133030 (cited by Women's Health and Genetics/Laboratory Corporation of America, LabCorp and Labcorp Genetics (formerly Invitae), Labcorp); PubMed 16374432 (cited by Women's Health and Genetics/Laboratory Corporation of America, LabCorp and Labcorp Genetics (formerly Invitae), Labcorp); PubMed 17576681 (cited by Labcorp Genetics (formerly Invitae), Labcorp); PubMed 9536098 (cited by Labcorp Genetics (formerly Invitae), Labcorp).

NM_014270.5(SLC7A9):c.1399+2dup

Gene: SLC7A9 (solute carrier family 7 member 9; minus strand). Cytogenetic location: 19q13.11.
Variant type: Duplication.
Coding change: c.1399+2dup on transcript NM_014270.5 (MANE Select); the canonical splice donor site of the intron after coding-DNA position 1399, one base duplicated (T; older notation c.1399+2dupT).
Molecular consequence: splice donor variant.
Genome position (GRCh38, 1-based): chr19:32,833,147, A duplicated on the plus strand (T on the coding strand, the reverse complement: SLC7A9 is on the minus strand). VCF-style (leftmost placement, unchanged base first): chr19-32833146-T-TA. GRCh37 (hg19) VCF-style: chr19-33324052-T-TA.
Other names: c.1399+2dupT (NM_014270.5); c.1399+2dup (NM_001126335.2, NM_001243036.2); c.1399+2_1399+3insT (NM_014270.5).
Identifiers: ClinVar variation 804193 (VCV000804193.12), dbSNP rs755715459, ClinGen allele CA9358423.